The following is an entry in ClinVar:

ClinVar aggregate classification (germline): Uncertain significance. Review status: criteria provided, multiple submitters, no conflicts (2 of 4 stars). 2 submissions from 2 submitters: Uncertain significance (2). Last evaluated 2024-12-24.

Conditions:
Primary dilated cardiomyopathy (DCM). Also called: Dilated Cardiomyopathy. Identifiers: Orphanet 217604, MedGen C0007193, MeSH D002311, MONDO:0005021, HP:0001644. Inheritance: Various modes of inheritance.

Submissions (2):

Labcorp Genetics (formerly Invitae), Labcorp
Classification: Uncertain significance for Primary dilated cardiomyopathy. Last evaluated: 2024-12-24. Review status: criteria provided, single submitter. Criteria: Invitae Variant Classification Sherloc (09022015). Collection method: clinical testing. Allele origin: germline.
Comment: This sequence change replaces proline, which is neutral and non-polar, with threonine, which is neutral and polar, at codon 835 of the NEBL protein (p.Pro835Thr). This variant is not present in population databases (gnomAD no frequency). This variant has not been reported in the literature in individuals affected with NEBL-related conditions. ClinVar contains an entry for this variant (Variation ID: 1792279). An algorithm developed to predict the effect of missense changes on protein structure and function (PolyPhen-2) suggests that this variant is likely to be disruptive. In summary, the available evidence is currently insufficient to determine the role of this variant in disease. Therefore, it has been classified as a Variant of Uncertain Significance.

Ambry Genetics
Classification: Uncertain significance. Last evaluated: 2021-06-30. Review status: criteria provided, single submitter. Criteria: Ambry Variant Classification Scheme 2023. Collection method: clinical testing. Allele origin: germline.
Comment: The p.P835T variant (also known as c.2503C>A), located in coding exon 24 of the NEBL gene, results from a C to A substitution at nucleotide position 2503. The proline at codon 835 is replaced by threonine, an amino acid with highly similar properties. This amino acid position is conserved. In addition, this alteration is predicted to be tolerated by in silico analysis. Since supporting evidence is limited at this time, the clinical significance of this alteration remains unclear.

NM_006393.3(NEBL):c.2503C>A (p.Pro835Thr)

Gene: NEBL (nebulette; minus strand). Cytogenetic location: 10p12.31.
Variant type: single nucleotide variant.
Coding change: c.2503C>A on transcript NM_006393.3 (MANE Select); coding-DNA position 2503, C replaced by A.
Protein change: p.Pro835Thr; replaces proline 835 with threonine.
Molecular consequence: missense variant.
Genome position (GRCh38, 1-based): chr10:20,812,784, G>T on the plus strand (C>A on the coding strand, the complement: NEBL is on the minus strand). VCF-style: chr10-20812784-G-T. GRCh37 (hg19) VCF-style: chr10-21101713-G-T.
Other names: c.514C>A, p.Pro172Thr (NM_001173484.2, NM_001377322.1, NM_213569.2); c.466C>A, p.Pro156Thr (NM_001377323.1); c.457C>A, p.Pro153Thr (NM_001377324.1); c.448C>A, p.Pro150Thr (NM_001377325.1); c.406C>A, p.Pro136Thr (NM_001377326.1, NM_001377327.1, NM_001377328.1); short protein forms P156T, P136T, P150T, P153T, P172T, P835T.
Identifiers: ClinVar variation 1792279 (VCV001792279.4), dbSNP rs1838292307, ClinGen allele CA376093200.